The following is an entry in ClinVar:

ClinVar aggregate classification (germline): Uncertain significance (1 of 4 stars; one submission).

Conditions:
Inborn genetic diseases. Identifiers: MedGen C0950123, MeSH D030342.

Submission:

Ambry Genetics
Classification: Uncertain significance for Inborn genetic diseases. Last evaluated: 2025-06-09. Review status: criteria provided, single submitter. Criteria: Ambry Variant Classification Scheme 2023. Collection method: clinical testing. Allele origin: germline.
Comment: The p.A24V variant (also known as c.71C>T), located in coding exon 1 of the ANKRD26 gene, results from a C to T substitution at nucleotide position 71. The alanine at codon 24 is replaced by valine, an amino acid with similar properties. This amino acid position is conserved. In addition, this alteration is predicted to be tolerated by in silico analysis. Based on the available evidence, the clinical significance of this variant remains unclear.

NM_014915.3(ANKRD26):c.71C>T (p.Ala24Val)

Genes: ANKRD26 (ankyrin repeat domain containing 26; minus strand), LOC130003554 (ATAC-STARR-seq lymphoblastoid silent region 2243; plus strand). Cytogenetic location: 10p12.1.
Variant type: single nucleotide variant.
Coding change: c.71C>T on transcript NM_014915.3 (MANE Select); coding-DNA position 71, C replaced by T.
Protein change: p.Ala24Val; replaces alanine 24 with valine.
Molecular consequence: missense variant.
Genome position (GRCh38, 1-based): chr10:27,100,256, G>A on the plus strand (C>T on the coding strand, the complement: ANKRD26 is on the minus strand). VCF-style: chr10-27100256-G-A. GRCh37 (hg19) VCF-style: chr10-27389185-G-A.
Other names: c.71C>T, p.Ala24Val (NM_001256053.2); short protein forms A24V.
Identifiers: ClinVar variation 3915223 (VCV003915223.1).